The following is an entry in ClinVar:

ClinVar aggregate classification (germline): Uncertain significance (1 of 4 stars; one submission).

Conditions:
Cardiovascular phenotype. Identifiers: MedGen CN230736.

Submission:

Ambry Genetics
Classification: Uncertain significance for Cardiovascular phenotype. Last evaluated: 2025-04-12. Review status: criteria provided, single submitter. Criteria: Ambry Variant Classification Scheme 2023. Collection method: clinical testing. Allele origin: germline.
Comment: The p.N306H variant (also known as c.916A>C), located in coding exon 8 of the PTPN11 gene, results from an A to C substitution at nucleotide position 916. The asparagine at codon 306 is replaced by histidine, an amino acid with similar properties. This amino acid position is conserved. In addition, this alteration is predicted to be deleterious by in silico analysis. Based on the available evidence, the clinical significance of this variant remains unclear.

NM_002834.5(PTPN11):c.916A>C (p.Asn306His)

Gene: PTPN11 (protein tyrosine phosphatase non-receptor type 11; plus strand). Cytogenetic location: 12q24.13.
Variant type: single nucleotide variant.
Coding change: c.916A>C on transcript NM_002834.5 (MANE Select); coding-DNA position 916, A replaced by C.
Protein change: p.Asn306His; replaces asparagine 306 with histidine.
Molecular consequence: missense variant.
Genome position (GRCh38, 1-based): chr12:112,477,713, A>C. VCF-style: chr12-112477713-A-C. GRCh37 (hg19) VCF-style: chr12-112915517-A-C.
Other names: c.916A>C, p.Asn306His (NM_001330437.2, NM_080601.3); c.913A>C, p.Asn305His (NM_001374625.1); short protein forms N306H, N305H.
Identifiers: ClinVar variation 3940403 (VCV003940403.1).